The following is an entry in ClinVar:

NM_001267550.2(TTN):c.38753T>G (p.Leu12918Trp)

Gene: TTN (titin; minus strand). Cytogenetic location: 2q31.2.
Variant type: single nucleotide variant.
Coding change: c.38753T>G on transcript NM_001267550.2 (MANE Select); coding-DNA position 38753, T replaced by G.
Protein change: p.Leu12918Trp; replaces leucine 12918 with tryptophan.
Molecular consequence: missense variant. On other transcripts: intron variant (5).
Genome position (GRCh38, 1-based): chr2:178,653,276, A>C on the plus strand (T>G on the coding strand, the complement: TTN is on the minus strand). VCF-style: chr2-178653276-A-C. GRCh37 (hg19) VCF-style: chr2-179518003-A-C.
Other names: c.13283-10959T>G (NM_003319.4); c.13859-10959T>G (NM_133437.4); c.13658-10959T>G (NM_133432.3); c.31742-735T>G (NM_133378.4); c.34523-735T>G (NM_001256850.1); short protein forms L12918W.
Identifiers: ClinVar variation 3351831 (VCV003351831.1).

ClinVar aggregate classification (germline): Uncertain significance (0 of 4 stars; one submission).

Conditions:
TTN-related disorder. Also called: TTN-related condition; TTN-related disease; TTN-related disorders.

gnomAD v4.1: 34 of 1,612,302 alleles (0.0021%); highest among the groups gnomAD compares: East Asian, 0.0067%; no homozygotes.

Submission:

PreventionGenetics, part of Exact Sciences
Classification: Uncertain significance for TTN-related condition. Last evaluated: 2024-08-06. Review status: no assertion criteria provided. Collection method: clinical testing. Allele origin: germline.
Comment: The TTN c.38753T>G variant is predicted to result in the amino acid substitution p.Leu12918Trp. To our knowledge, this variant has not been reported in the literature. This variant is reported in 0.0056% of alleles in individuals of East Asian descent in gnomAD. At this time, the clinical significance of this variant is uncertain due to the absence of conclusive functional and genetic evidence.